The following is an entry in ClinVar:

NM_014874.4(MFN2):c.2162T>C (p.Ile721Thr)

Gene: MFN2 (mitofusin 2; plus strand). Cytogenetic location: 1p36.22.
Variant type: single nucleotide variant.
Coding change: c.2162T>C on transcript NM_014874.4 (MANE Select); coding-DNA position 2162, T replaced by C.
Protein change: p.Ile721Thr; replaces isoleucine 721 with threonine.
Molecular consequence: missense variant.
Genome position (GRCh38, 1-based): chr1:12,009,684, T>C. VCF-style: chr1-12009684-T-C. GRCh37 (hg19) VCF-style: chr1-12069741-T-C.
Other names: c.2162T>C, p.Ile721Thr (NM_001127660.2); short protein forms I721T.
Identifiers: ClinVar variation 569239 (VCV000569239.10), dbSNP rs150946795, ClinGen allele CA599349.
Genomic context (GRCh38, chr1:12,009,684, plus strand): 5'-AGCAAGTTGACGTCACCCGGGAGAACCTGGAGCAGGAAATTGCCGCCATGAACAAGAAAA[T>C]TGAGGTTCTTGACTCACTTCAGAGCAAAGCAAAGCTGCTCAGGTGAGGCTGGCCCGTGTG-3'
Protein context (NP_055689.1, residues 711-731): EQEIAAMNKK[Ile721Thr]EVLDSLQSKA

ClinVar aggregate classification (germline): Uncertain significance. Review status: criteria provided, multiple submitters, no conflicts (2 of 4 stars). 2 submissions from 2 submitters: Uncertain significance (2). Last evaluated 2025-11-12.

Conditions:
Inborn genetic diseases. Identifiers: MedGen C0950123, MeSH D030342.
Charcot-Marie-Tooth disease type 2. Also called: Charcot-Marie-Tooth type 2. Identifiers: Orphanet 64746, MedGen C0270914, MONDO:0018993.

Allele frequency attached by ClinVar (database versions not stated): ExAC 0.00001; ESP Exome Variant Server 0.00008; gnomAD exomes 0.00001; TOPMed below 0.00001.
gnomAD v4.1: 9 of 1,614,080 alleles (0.00056%); highest among the groups gnomAD compares: Middle Eastern, 0.016%; no homozygotes.

Submissions (2):

Labcorp Genetics (formerly Invitae), Labcorp
Classification: Uncertain significance for Charcot-Marie-Tooth disease type 2. Last evaluated: 2025-11-12. Review status: criteria provided, single submitter. Criteria: Invitae Variant Classification Sherloc (09022015). Collection method: clinical testing. Allele origin: germline.
Comment: This sequence change replaces isoleucine, which is neutral and non-polar, with threonine, which is neutral and polar, at codon 721 of the MFN2 protein (p.Ile721Thr). This variant is present in population databases (rs150946795, gnomAD 0.003%). This variant has not been reported in the literature in individuals affected with MFN2-related conditions. ClinVar contains an entry for this variant (Variation ID: 569239). Invitae Evidence Modeling of protein sequence and biophysical properties (such as structural, functional, and spatial information, amino acid conservation, physicochemical variation, residue mobility, and thermodynamic stability) has been performed for this missense variant. However, the output from this modeling did not meet the statistical confidence thresholds required to predict the impact of this variant on MFN2 protein function. In summary, the available evidence is currently insufficient to determine the role of this variant in disease. Therefore, it has been classified as a Variant of Uncertain Significance.

Ambry Genetics
Classification: Uncertain significance for Inborn genetic diseases. Last evaluated: 2022-05-12. Review status: criteria provided, single submitter. Criteria: Ambry Variant Classification Scheme 2023. Collection method: clinical testing. Allele origin: germline.
Comment: The p.I721T variant (also known as c.2162T>C), located in coding exon 16 of the MFN2 gene, results from a T to C substitution at nucleotide position 2162. The isoleucine at codon 721 is replaced by threonine, an amino acid with similar properties. This amino acid position is conserved. In addition, this alteration is predicted to be deleterious by in silico analysis. Since supporting evidence is limited at this time, the clinical significance of this alteration remains unclear.